The following is an entry in ClinVar:

ClinVar aggregate classification (germline): Uncertain significance (1 of 4 stars; one submission).

Allele frequency attached by ClinVar (database versions not stated): ExAC 0.00001; gnomAD exomes 0.00002.

Submission:

Labcorp Genetics (formerly Invitae), Labcorp
Classification: Uncertain significance. Last evaluated: 2022-05-05. Review status: criteria provided, single submitter. Criteria: Invitae Variant Classification Sherloc (09022015). Collection method: clinical testing. Allele origin: germline.
Comment: This sequence change replaces aspartic acid, which is acidic and polar, with asparagine, which is neutral and polar, at codon 210 of the SMARCD2 protein (p.Asp210Asn). This variant is present in population databases (rs773107708, gnomAD 0.004%). This variant has not been reported in the literature in individuals affected with SMARCD2-related conditions. Algorithms developed to predict the effect of missense changes on protein structure and function (SIFT, PolyPhen-2, Align-GVGD) all suggest that this variant is likely to be tolerated. In summary, the available evidence is currently insufficient to determine the role of this variant in disease. Therefore, it has been classified as a Variant of Uncertain Significance.

NM_001098426.2(SMARCD2):c.628G>A (p.Asp210Asn)

Gene: SMARCD2 (SWI/SNF related BAF chromatin remodeling complex subunit D2; minus strand). Cytogenetic location: 17q23.3.
Variant type: single nucleotide variant.
Coding change: c.628G>A on transcript NM_001098426.2 (MANE Select); coding-DNA position 628, G replaced by A.
Protein change: p.Asp210Asn; replaces aspartic acid 210 with asparagine.
Molecular consequence: missense variant.
Genome position (GRCh38, 1-based): chr17:63,835,507, C>T on the plus strand (G>A on the coding strand, the complement: SMARCD2 is on the minus strand). VCF-style: chr17-63835507-C-T. GRCh37 (hg19) VCF-style: chr17-61912867-C-T.
Other names: c.403G>A, p.Asp135Asn (NM_001330439.1); c.484G>A, p.Asp162Asn (NM_001330440.2); short protein forms D162N, D210N, D135N.
Identifiers: ClinVar variation 1522073 (VCV001522073.3), dbSNP rs773107708, ClinGen allele CA8706426.